The following is an entry in ClinVar:

NM_001845.6(COL4A1):c.1466-5G>A

Gene: COL4A1 (collagen type IV alpha 1 chain; minus strand). Cytogenetic location: 13q34.
Variant type: single nucleotide variant.
Coding change: c.1466-5G>A on transcript NM_001845.6 (MANE Select); 5 bases into the intron before coding-DNA position 1466, G replaced by A.
Molecular consequence: intron variant.
Genome position (GRCh38, 1-based): chr13:110,192,289, C>T on the plus strand (G>A on the coding strand, the complement: COL4A1 is on the minus strand). VCF-style: chr13-110192289-C-T. GRCh37 (hg19) VCF-style: chr13-110844636-C-T.
Other names: c.1466-5G>A (NM_001845.5, NM_001303110.2).
Identifiers: ClinVar variation 2046426 (VCV002046426.6), dbSNP rs774417096, ClinGen allele CA7047913.
Genomic context (GRCh38, chr13:110,192,289, plus strand): 5'-ACCATCTCTGCCAGGCAAACCTCTGTCGCCCTTGGCCCCTGGCTGCCCTGGGAAACCTTT[C>T]GTGAGAGAGAGGGAAAAAGACAGCAACACAGCATTCATGAGACACTTCTCAAAACCTTTT-3'

ClinVar aggregate classification (germline): Likely benign. Review status: criteria provided, multiple submitters, no conflicts (2 of 4 stars). 3 submissions from 3 submitters: Likely benign (3). Last evaluated 2025-12-24.

Conditions:
COL4A1-related disorder. Also called: COL4A1-related disorders; COL4A1-related condition. Identifiers: MedGen CN376119, MONDO:0800461.

Allele frequency attached by ClinVar (database versions not stated): gnomAD exomes 0.00005; ExAC 0.00009.
gnomAD v4.1: 83 of 1,613,920 alleles (0.0051%); highest among the groups gnomAD compares: East Asian, 0.031%; no homozygotes.

Submissions (3):

Labcorp Genetics (formerly Invitae), Labcorp
Classification: Likely benign. Last evaluated: 2025-12-24. Review status: criteria provided, single submitter. Criteria: Invitae Variant Classification Sherloc (09022015). Collection method: clinical testing. Allele origin: germline.

PreventionGenetics, part of Exact Sciences
Classification: Likely benign for COL4A1-related condition. Last evaluated: 2025-02-10. Review status: criteria provided, single submitter. Criteria: ACMG Guidelines, 2015. Collection method: clinical testing. Allele origin: germline.
Comment: This variant is classified as likely benign based on ACMG/AMP sequence variant interpretation guidelines (Richards et al. 2015 PMID: 25741868, with internal and published modifications).

Blueprint Genetics
Classification: Likely benign. Last evaluated: 2024-03-15. Review status: criteria provided, single submitter. Criteria: ACMG Guidelines, 2015. Collection method: clinical testing. Allele origin: germline.